The following is an entry in ClinVar:

ClinVar aggregate classification (germline): Pathogenic/Likely pathogenic. Review status: criteria provided, multiple submitters, no conflicts (2 of 4 stars). 4 submissions from 4 submitters: Pathogenic (1); Likely pathogenic (1). 2 of the submissions do not count toward it. Last evaluated 2026-05-26.

Conditions:
Hereditary cancer-predisposing syndrome. Also called: Hereditary Cancer Syndrome; Tumor predisposition; Hereditary neoplastic syndrome; Neoplastic Syndromes, Hereditary. Identifiers: Orphanet 140162, MedGen C0027672, MeSH D009386, MONDO:0015356.
Malignant tumor of breast. Also called: Malignant breast neoplasm; Cancer breast. Identifiers: MedGen C0006142, MONDO:0007254. Disease mechanism: loss of function.
Hereditary breast ovarian cancer syndrome. Also called: Hereditary breast and ovarian cancer syndrome; Hereditary breast and/or ovarian cancer syndrome; Hereditary breast and ovarian cancer syndrome (HBOC); Hereditary breast and ovarian cancer; Breast and ovarian cancer; BRCA1- and BRCA2-Associated Hereditary Breast and Ovarian Cancer. Identifiers: Orphanet 145, MedGen C0677776, MeSH D061325, MONDO:0003582. Disease mechanism: loss of function.

Submissions (4):

Ambry Genetics
Classification: Pathogenic for Hereditary cancer-predisposing syndrome. Last evaluated: 2026-05-26. Review status: criteria provided, single submitter. Criteria: Ambry Variant Classification Scheme 2023. Collection method: clinical testing. Allele origin: germline.
Comment: The c.8954-2A>C intronic pathogenic mutation results from from an A to C substitution two nucleotides upstream from coding exon 22 in the BRCA2 gene. Two saturation genome editing-based studies, including a haploid cell-survival assay and a humanized mouse embryonic stem cell line assay of drug response and survival, demonstrate that this nucleotide substitution is non-functional (Huang H et al. Nature. 2025 Feb;638(8050):528-537; Sahu S et al. Nature. 2025 Feb;638(8050):538-545). Other variant(s) impacting the same acceptor site (c.8954-1G>A) demonstrate an abnormal result in functional assays (Huang H et al. Nature. 2025 Feb;638(8050):528-537; Sahu S et al. Nature. 2025 Feb;638(8050):538-545; Ambry internal data). This variant is considered to be rare based on population cohorts in the Genome Aggregation Database (gnomAD). This nucleotide position is highly conserved in available vertebrate species. In silico splice site analysis predicts that this alteration will weaken the native splice acceptor site. Variants that disrupt the canonical splice site are expected to cause aberrant splicing, resulting in an abnormal protein or a transcript that is subject to nonsense-mediated mRNA decay. As such, this variant is classified as a disease-causing mutation.

Labcorp Genetics (formerly Invitae), Labcorp
Classification: Likely pathogenic for Hereditary breast ovarian cancer syndrome. Last evaluated: 2023-02-14. Review status: criteria provided, single submitter. Criteria: Invitae Variant Classification Sherloc (09022015). Collection method: clinical testing. Allele origin: germline.
Comment: This sequence change affects an acceptor splice site in intron 22 of the BRCA2 gene. It is expected to disrupt RNA splicing. Variants that disrupt the donor or acceptor splice site typically lead to a loss of protein function (PMID: 16199547), and loss-of-function variants in BRCA2 are known to be pathogenic (PMID: 20104584). This variant is not present in population databases (gnomAD no frequency). Disruption of this splice site has been observed in individual(s) with breast and/or ovarian cancer (PMID: 28692638, 31343793, 31825140). ClinVar contains an entry for this variant (Variation ID: 431350). Studies have shown that disruption of this splice site alters BRCA2 gene expression (PMID: 31343793). Studies have shown that disruption of this splice site is associated with altered splicing resulting in multiple RNA products (PMID: 31343793). In summary, the currently available evidence indicates that the variant is pathogenic, but additional data are needed to prove that conclusively. Therefore, this variant has been classified as Likely Pathogenic.

Research Molecular Genetics Laboratory, Women's College Hospital, University of Toronto
Classification: Pathogenic for Hereditary breast ovarian cancer syndrome. Last evaluated: 2014-01-31. Review status: no assertion criteria provided. Collection method: research. Allele origin: germline. Affected: yes. Study: The Canadian Open Genetics Repository (COGR). Not counted in ClinVar's aggregate classification.

Department of Pathology and Laboratory Medicine, Sinai Health System
Classification: Pathogenic for Malignant tumor of breast. Review status: no assertion criteria provided. Collection method: clinical testing. Allele origin: unknown. Affected: yes. Study: The Canadian Open Genetics Repository (COGR). Not counted in ClinVar's aggregate classification.
Comment: The BRCA2 c.8954-2A>C was not identified in the literature, nor was it identified in any of the following databases: dbSNP, Exome Variant Server ESP Project, HGMD, UMD, LOVD, and COSMIC. This variant is predicted to cause abnormal splicing because the nucleotide substitution occurs in the invariant -2 position of the 3' splice consensus sequence. In addition, four in-silico or computational prediction software programs (SpliceSiteFinder, MaxEntScan, NNSPLICE, HumanSpliceFinder) predict a greater than 10% difference in splicing, and Myriad classifies this variant as â€šÃ„Ãºsuspected deleteriousâ€šÃ„Ã¹ (personal communication). This is the type of variant expected to cause hereditary breast and ovarian cancer. In summary, based on the above information, this variant is classified as pathogenic.

Literature cited by the submitters: PubMed 39779848 (cited by Ambry Genetics); PubMed 39779857 (cited by Ambry Genetics); PubMed 16199547 (cited by Labcorp Genetics (formerly Invitae), Labcorp); PubMed 20104584 (cited by Labcorp Genetics (formerly Invitae), Labcorp); PubMed 28692638 (cited by Labcorp Genetics (formerly Invitae), Labcorp); PubMed 31343793 (cited by Labcorp Genetics (formerly Invitae), Labcorp); PubMed 31825140 (cited by Labcorp Genetics (formerly Invitae), Labcorp).

NM_000059.4(BRCA2):c.8954-2A>C

Gene: BRCA2 (BRCA2 DNA repair associated; plus strand). Cytogenetic location: 13q13.1.
Variant type: single nucleotide variant.
Coding change: c.8954-2A>C on transcript NM_000059.4 (MANE Select); the canonical splice acceptor site of the intron before coding-DNA position 8954, A replaced by C.
Molecular consequence: splice acceptor variant. On other transcripts: intron variant (1).
Genome position (GRCh38, 1-based): chr13:32,379,748, A>C. VCF-style: chr13-32379748-A-C. GRCh37 (hg19) VCF-style: chr13-32953885-A-C.
Other names: c.8954-53A>C (NM_001406720.1); c.8858-2A>C (NM_001406719.1); c.4022-2A>C (NM_001406721.1); c.2537-2A>C (NM_001406722.1).
Identifiers: ClinVar variation 431350 (VCV000431350.7), dbSNP rs1135401928, ClinGen allele CA387757351.